The following is an entry in ClinVar:

ClinVar aggregate classification (germline): Likely pathogenic (1 of 4 stars; one submission).

Conditions:
Leukodystrophy, hypomyelinating, 8, with or without oligodontia and/or hypogonadotropic hypogonadism. Also called: LEUKODYSTROPHY, HYPOMYELINATING, 8, WITH HYPODONTIA AND HYPOGONADOTROPIC HYPOGONADISM; Hypomyelinating leukodystrophy 8 with or without oligodontia and-or hypogonadotropic hypogonadism; Endosteal sclerosis-cerebellar hypoplasia syndrome. Identifiers: Orphanet 85186, Orphanet 88637, MedGen C3280644, MONDO:0013722, OMIM 614381.

gnomAD v4.1: 20 of 1,612,370 alleles (0.0012%); highest among the groups gnomAD compares: Non-Finnish European, 0.0016%; no homozygotes.

Submission:

Broad Center for Mendelian Genomics, Broad Institute of MIT and Harvard
Classification: Likely pathogenic for Leukodystrophy, hypomyelinating, 8, with or without oligodontia and/or hypogonadotropic hypogonadism. Last evaluated: 2025-05-01. Review status: criteria provided, single submitter. Criteria: ACMG Guidelines, 2015. Collection method: curation. Allele origin: germline. Inheritance: Autosomal recessive inheritance.
Comment: The p.Tyr746Cys variant in POLR3B has been reported, in the compound heterozygous state along with another likely pathogenic variant, in 2 affected siblings with 4H leukodystrophy (PMID: 35434302), and has been identified in 0.002% (19/1178620) of European (non-Finnish) chromosomes by the Genome Aggregation Database (gnomAD; dbSNP ID: rs1228870515). Although this variant has been seen in the general population in a heterozygous state, its frequency is low enough to be consistent with a recessive carrier frequency. Computational prediction tools and conservation analyses suggest that this variant may impact the protein, though this information is not predictive enough to determine pathogenicity. The number of missense variants reported in POLR3B in the general population is lower than expected, suggesting there is little benign variation in this gene and slightly increasing the possibility that a missense variant in this gene may not be tolerated. In summary, although additional studies are required to fully establish its clinical significance, this variant is likely pathogenic for autosomal recessive 4H leukodystrophy. ACMG/AMP Criteria applied: PP3_moderate, PM3, PP2, PM2_supporting (Richards 2015).

Literature cited by the submitters: PubMed 35434302.

NM_018082.6(POLR3B):c.2237A>G (p.Tyr746Cys)

Gene: POLR3B (RNA polymerase III subunit B; plus strand). Cytogenetic location: 12q23.3.
Variant type: single nucleotide variant.
Coding change: c.2237A>G on transcript NM_018082.6 (MANE Select); coding-DNA position 2237, A replaced by G.
Protein change: p.Tyr746Cys; replaces tyrosine 746 with cysteine.
Molecular consequence: missense variant.
Genome position (GRCh38, 1-based): chr12:106,454,655, A>G. VCF-style: chr12-106454655-A-G. GRCh37 (hg19) VCF-style: chr12-106848433-A-G.
Other names: NM_001160708.2:c.2063A>G; c.2063A>G, p.Tyr688Cys (NM_001160708.2); short protein forms Y688C, Y746C.
Identifiers: ClinVar variation 3899299 (VCV003899299.1).